The following is an entry in ClinVar:

NM_198525.3(KIF7):c.3331C>A (p.Arg1111=)

Genes: KIF7 (kinesin family member 7; minus strand), LOC126862216 (BRD4-independent group 4 enhancer GRCh37_chr15:90171995-90173194; plus strand). Cytogenetic location: 15q26.1.
Variant type: single nucleotide variant.
Coding change: c.3331C>A on transcript NM_198525.3 (MANE Select); coding-DNA position 3331, C replaced by A.
Protein change: p.Arg1111=; no amino-acid change (arginine 1111 retained).
Molecular consequence: synonymous variant.
Genome position (GRCh38, 1-based): chr15:89,629,561, G>T on the plus strand (C>A on the coding strand, the complement: KIF7 is on the minus strand). VCF-style: chr15-89629561-G-T. GRCh37 (hg19) VCF-style: chr15-90172792-G-T.
Identifiers: ClinVar variation 509759 (VCV000509759.14), dbSNP rs778139192, ClinGen allele CA7727734.
Genomic context (GRCh38, chr15:89,629,561, plus strand): 5'-GCTCCTCCAGCTGCATCTCCAGTTCCGAGAAGGCAATCTGCTGCTGGTGCTGCTCCTCTC[G>T]GAGCGTCACCACCTGTCCCAAGACCCAGCCAGGCTCAGCCCTCATCATGACCCCTCTTCA-3'
Protein context (NP_940927.2, residues 1101-1121): CKYFDKVVTL[Arg1111=]EEQHQQQIAF

ClinVar aggregate classification (germline): Likely benign. Review status: criteria provided, multiple submitters, no conflicts (2 of 4 stars). 4 submissions from 4 submitters: Likely benign (3). 1 of the submissions does not count toward it. Last evaluated 2024-11-02.

Conditions:
KIF7-related disorder. Also called: KIF7-related condition.
Acrocallosal syndrome (ACLS). Also called: Schinzel syndrome 1; Absence of corpus callosum with unusual facial appearance, mental deficiency, duplication of the halluces and polydactyly; HALLUX DUPLICATION, POSTAXIAL POLYDACTYLY, AND ABSENCE OF CORPUS CALLOSUM. Identifiers: Orphanet 36, MedGen C0796147, MONDO:0008708, OMIM 200990.

Allele frequency attached by ClinVar (database versions not stated): TOPMed 0.00006; ExAC 0.00007.
gnomAD v4.1: 32 of 1,606,422 alleles (0.002%); highest among the groups gnomAD compares: East Asian, 0.069%; no homozygotes.

Submissions (4):

Labcorp Genetics (formerly Invitae), Labcorp
Classification: Likely benign for Acrocallosal syndrome. Last evaluated: 2024-11-02. Review status: criteria provided, single submitter. Criteria: Invitae Variant Classification Sherloc (09022015). Collection method: clinical testing. Allele origin: germline.

Blueprint Genetics
Classification: Likely benign. Last evaluated: 2022-03-28. Review status: criteria provided, single submitter. Criteria: ACMG Guidelines, 2015. Collection method: clinical testing. Allele origin: germline.

GeneDx
Classification: Likely benign. Last evaluated: 2017-05-31. Review status: criteria provided, single submitter. Criteria: GeneDx Variant Classification (06012015). Collection method: clinical testing. Allele origin: germline. Affected: yes.
Comment: This variant is considered likely benign or benign based on one or more of the following criteria: it is a conservative change, it occurs at a poorly conserved position in the protein, it is predicted to be benign by multiple in silico algorithms, and/or has population frequency not consistent with disease.

PreventionGenetics, part of Exact Sciences
Classification: Likely benign for KIF7-related condition. Last evaluated: 2021-12-28. Review status: no assertion criteria provided. Collection method: clinical testing. Allele origin: germline. Not counted in ClinVar's aggregate classification.
Comment: This variant is classified as likely benign based on ACMG/AMP sequence variant interpretation guidelines (Richards et al. 2015 PMID: 25741868, with internal and published modifications).